The following is an entry in ClinVar:

ClinVar aggregate classification (germline): Likely benign (1 of 4 stars; one submission).

gnomAD v4.1: 572 of 1,611,910 alleles (0.035%); highest among the groups gnomAD compares: Non-Finnish European, 0.044%; no homozygotes.

Submission:

CeGaT Center for Human Genetics Tuebingen
Classification: Likely benign. Last evaluated: 2024-10-01. Review status: criteria provided, single submitter. Criteria: CeGaT Center For Human Genetics Tuebingen Variant Classification Criteria Version 2. Collection method: clinical testing. Allele origin: germline. Affected: yes. Observed: 1 variant allele.
Comment: ANKRD28: BP4, BP7

NM_001349278.2(ANKRD28):c.2601G>A (p.Glu867=)

Genes: ANKRD28 (ankyrin repeat domain 28; minus strand), BTD (biotinidase; plus strand). Cytogenetic location: 3p25.1.
Variant type: single nucleotide variant.
Coding change: c.2601G>A on transcript NM_001349278.2 (MANE Select); coding-DNA position 2601, G replaced by A.
Protein change: p.Glu867=; no amino-acid change (glutamic acid 867 retained).
Molecular consequence: synonymous variant. On other transcripts: non-coding transcript variant (2), intron variant (4).
Genome position (GRCh38, 1-based): chr3:15,678,315, C>T on the plus strand (G>A on the coding strand, the complement: ANKRD28 is on the minus strand). VCF-style: chr3-15678315-C-T. GRCh37 (hg19) VCF-style: chr3-15719822-C-T.
Other names: c.2049G>A, p.Glu683= (NM_001195098.1, NM_001195099.2, NM_001349283.2); c.2610G>A, p.Glu870= (NM_001349277.2); c.2502G>A, p.Glu834= (NM_001349279.2); c.2343G>A, p.Glu781= (NM_001349280.1, NM_001349281.2, NM_001349282.2); c.2511G>A, p.Glu837= (NM_015199.4); c.1015+33384C>T (NM_001370752.1, NM_001407379.1); c.400-32084C>T (NM_001370753.1); c.400-9996C>T (NM_001407400.1).
Identifiers: ClinVar variation 3389035 (VCV003389035.14).
Genomic context (GRCh38, chr3:15,678,315, plus strand): 5'-TTTCCCTGTAGAGTCCACAGAATTGACTTGAGCATTATGGCTGAGCAGCAGCTGTAAACA[C>T]TCTACATGGTCTGTGAAGGCGGCTGCATGGAGAGGAGTTCTGTGATAAAGAAAAATTGAA-3'
Protein context (NP_001336207.1, residues 857-877): LHAAAFTDHV[Glu867=]CLQLLLSHNA